The following is an entry in ClinVar:

NM_020822.3(KCNT1):c.3361C>T (p.Pro1121Ser)

Gene: KCNT1 (potassium sodium-activated channel subfamily T member 1; plus strand). Cytogenetic location: 9q34.3.
Variant type: single nucleotide variant.
Coding change: c.3361C>T on transcript NM_020822.3 (MANE Select); coding-DNA position 3361, C replaced by T.
Protein change: p.Pro1121Ser; replaces proline 1121 with serine.
Molecular consequence: missense variant.
Genome position (GRCh38, 1-based): chr9:135,786,380, C>T. VCF-style: chr9-135786380-C-T. GRCh37 (hg19) VCF-style: chr9-138678226-C-T.
Other names: c.3226C>T, p.Pro1076Ser (NM_001272003.2); short protein forms P1076S, P1121S.
Identifiers: ClinVar variation 2420181 (VCV002420181.12), dbSNP rs1432732653, ClinGen allele CA375491798.

ClinVar aggregate classification (germline): Uncertain significance. Review status: criteria provided, multiple submitters, no conflicts (2 of 4 stars). 2 submissions from 2 submitters: Uncertain significance (2). Last evaluated 2025-04-23.

Conditions:
Autosomal dominant nocturnal frontal lobe epilepsy 5. Also called: CILIARY DYSKINESIA, PRIMARY, 28, WITHOUT SITUS INVERSUS; CILIARY DYSKINESIA, PRIMARY, 28, WITH SITUS INVERSUS; Epilepsy, nocturnal frontal lobe, 5; KCNT1-Related Epilepsy. Identifiers: Orphanet 98784, MedGen C3554306, MONDO:0014002, OMIM 615005.
Developmental and epileptic encephalopathy, 14 (DEE14). Also called: Early infantile epileptic encephalopathy 14. Identifiers: Orphanet 293181, MedGen C3554195, MONDO:0013989, OMIM 614959.

Allele frequency attached by ClinVar (database versions not stated): TOPMed below 0.00001; gnomAD 0.00001.
gnomAD v4.1: 3 of 1,577,238 alleles (0.00019%); highest among the groups gnomAD compares: Admixed American, 0.0037%; no homozygotes.

Submissions (2):

Labcorp Genetics (formerly Invitae), Labcorp
Classification: Uncertain significance for Autosomal dominant nocturnal frontal lobe epilepsy 5; Developmental and epileptic encephalopathy, 14. Last evaluated: 2025-04-23. Review status: criteria provided, single submitter. Criteria: Invitae Variant Classification Sherloc (09022015). Collection method: clinical testing. Allele origin: germline.
Comment: This sequence change replaces proline, which is neutral and non-polar, with serine, which is neutral and polar, at codon 1121 of the KCNT1 protein (p.Pro1121Ser). The frequency data for this variant in the population databases is considered unreliable, as metrics indicate poor data quality at this position in the gnomAD database. This variant has not been reported in the literature in individuals affected with KCNT1-related conditions. ClinVar contains an entry for this variant (Variation ID: 2420181). Invitae Evidence Modeling of protein sequence and biophysical properties (such as structural, functional, and spatial information, amino acid conservation, physicochemical variation, residue mobility, and thermodynamic stability) indicates that this missense variant is not expected to disrupt KCNT1 protein function with a negative predictive value of 80%. In summary, the available evidence is currently insufficient to determine the role of this variant in disease. Therefore, it has been classified as a Variant of Uncertain Significance.

Revvity Omics, Revvity
Classification: Uncertain significance. Last evaluated: 2022-04-14. Review status: criteria provided, single submitter. Criteria: ACMG Guidelines, 2015. Collection method: clinical testing. Allele origin: germline.